The following is an entry in ClinVar:

NM_015047.3(EMC1):c.226C>T (p.Arg76Cys)

Gene: EMC1 (ER membrane protein complex subunit 1; minus strand). Cytogenetic location: 1p36.13.
Variant type: single nucleotide variant.
Coding change: c.226C>T on transcript NM_015047.3 (MANE Select); coding-DNA position 226, C replaced by T.
Protein change: p.Arg76Cys; replaces arginine 76 with cysteine.
Molecular consequence: missense variant. On other transcripts: intron variant (1).
Genome position (GRCh38, 1-based): chr1:19,244,010, G>A on the plus strand (C>T on the coding strand, the complement: EMC1 is on the minus strand). VCF-style: chr1-19244010-G-A. GRCh37 (hg19) VCF-style: chr1-19570504-G-A.
Other names: c.226C>T, p.Arg76Cys (NM_001271427.2, NM_001271428.2, NM_001375820.1 and 1 more transcripts); c.221-303C>T (NM_001271429.2); short protein forms R76C.
Identifiers: ClinVar variation 840320 (VCV000840320.6), dbSNP rs372022434, ClinGen allele CA653000.
Genomic context (GRCh38, chr1:19,244,010, plus strand): 5'-CCTGTCCGTGCAGCAGCATGGCATCCACAGCCCCTTCTGCCGTGCCCTTGTCAACATGGC[G>A]CCACACTGAGAGACATGAAAGTTAGACATTACTATGAACAAAAGGTGGCAACCCAGAAGA-3'
Protein context (NP_055862.1, residues 66-86): LNSRTGEILW[Arg76Cys]HVDKGTAEGA

ClinVar aggregate classification (germline): Uncertain significance (1 of 4 stars; one submission).

Allele frequency attached by ClinVar (database versions not stated): ExAC 0.00002; gnomAD 0.00003; gnomAD exomes 0.00003; TOPMed 0.00006; ESP Exome Variant Server 0.00008.
gnomAD v4.1: 119 of 1,613,858 alleles (0.0074%); highest among the groups gnomAD compares: Non-Finnish European, 0.0094%; no homozygotes.

Submission:

Labcorp Genetics (formerly Invitae), Labcorp
Classification: Uncertain significance. Last evaluated: 2026-01-15. Review status: criteria provided, single submitter. Criteria: Invitae Variant Classification Sherloc (09022015). Collection method: clinical testing. Allele origin: germline.
Comment: This sequence change replaces arginine, which is basic and polar, with cysteine, which is neutral and slightly polar, at codon 76 of the EMC1 protein (p.Arg76Cys). This variant is present in population databases (rs372022434, gnomAD 0.007%). This variant has not been reported in the literature in individuals affected with EMC1-related conditions. ClinVar contains an entry for this variant (Variation ID: 840320). Invitae Evidence Modeling of protein sequence and biophysical properties (such as structural, functional, and spatial information, amino acid conservation, physicochemical variation, residue mobility, and thermodynamic stability) indicates that this missense variant is expected to disrupt EMC1 protein function with a positive predictive value of 80%. In summary, the available evidence is currently insufficient to determine the role of this variant in disease. Therefore, it has been classified as a Variant of Uncertain Significance.